The following is an entry in ClinVar:

NM_001165963.4(SCN1A):c.1906C>T (p.Pro636Ser)

Gene: SCN1A (sodium voltage-gated channel alpha subunit 1; minus strand). Cytogenetic location: 2q24.3.
Variant type: single nucleotide variant.
Coding change: c.1906C>T on transcript NM_001165963.4 (MANE Select); coding-DNA position 1906, C replaced by T.
Protein change: p.Pro636Ser; replaces proline 636 with serine.
Molecular consequence: missense variant. On other transcripts: 5 prime UTR variant (1), non-coding transcript variant (1).
Genome position (GRCh38, 1-based): chr2:166,043,806, G>A on the plus strand (C>T on the coding strand, the complement: SCN1A is on the minus strand). VCF-style: chr2-166043806-G-A. GRCh37 (hg19) VCF-style: chr2-166900316-G-A.
Other names: c.1906C>T, p.Pro636Ser (NM_001353948.2, NM_001353949.2, NM_001353950.2 and 7 more transcripts); c.1903C>T, p.Pro635Ser (NM_001353954.2, NM_001353955.2, NM_001353960.2); c.-520C>T (NM_001353961.2); short protein forms P635S, P636S.
Identifiers: ClinVar variation 2633486 (VCV002633486.1), dbSNP rs2468151942, ClinGen allele CA349067324.

ClinVar aggregate classification (germline): Uncertain significance (1 of 4 stars; one submission).

Conditions:
SCN1A-related disorder. Also called: SCN1A-related disorders; SCN1A-related conditions; SCN1A-related condition.

Submission:

PreventionGenetics, part of Exact Sciences
Classification: Uncertain significance for SCN1A-related condition. Last evaluated: 2023-04-03. Review status: criteria provided, single submitter. Criteria: ACMG Guidelines, 2015. Collection method: clinical testing. Allele origin: germline.
Comment: The SCN1A c.1906C>T variant is predicted to result in the amino acid substitution p.Pro636Ser. To our knowledge, this variant has not been reported in the literature or in a large population database, indicating this variant is rare. At this time, the clinical significance of this variant is uncertain due to the absence of conclusive functional and genetic evidence.